The following is an entry in ClinVar:

ClinVar aggregate classification (germline): Likely benign. Review status: criteria provided, multiple submitters, no conflicts (2 of 4 stars). 3 submissions from 3 submitters: Likely benign (3). Last evaluated 2025-11-17.

Conditions:
KIDINS220-related disorder. Also called: KIDINS220-related condition.

Allele frequency attached by ClinVar (database versions not stated): gnomAD 0.00001 and 0.00003; gnomAD exomes 0.00004 and 0.00009; ExAC 0.00005; TOPMed 0.00008.
gnomAD v4.1: 64 of 1,614,100 alleles (0.004%); highest among the groups gnomAD compares: East Asian, 0.082%; no homozygotes.

Submissions (3):

Labcorp Genetics (formerly Invitae), Labcorp
Classification: Likely benign. Last evaluated: 2025-11-17. Review status: criteria provided, single submitter. Criteria: Invitae Variant Classification Sherloc (09022015). Collection method: clinical testing. Allele origin: germline.

PreventionGenetics, part of Exact Sciences
Classification: Likely benign for KIDINS220-related condition. Last evaluated: 2025-03-18. Review status: criteria provided, single submitter. Criteria: ACMG Guidelines, 2015. Collection method: clinical testing. Allele origin: germline.
Comment: This variant is classified as likely benign based on ACMG/AMP sequence variant interpretation guidelines (Richards et al. 2015 PMID: 25741868, with internal and published modifications).

CeGaT Center for Human Genetics Tuebingen
Classification: Likely benign. Last evaluated: 2022-06-01. Review status: criteria provided, single submitter. Criteria: CeGaT Center For Human Genetics Tuebingen Variant Classification Criteria Version 2. Collection method: clinical testing. Allele origin: germline. Affected: yes. Observed: 1 variant allele.
Comment: KIDINS220: BP4, BP7

NM_020738.4(KIDINS220):c.5250G>A (p.Pro1750=)

Gene: KIDINS220 (kinase D interacting substrate 220; minus strand). Cytogenetic location: 2p25.1.
Variant type: single nucleotide variant.
Coding change: c.5250G>A on transcript NM_020738.4 (MANE Select); coding-DNA position 5250, G replaced by A.
Protein change: p.Pro1750=; no amino-acid change (proline 1750 retained).
Molecular consequence: synonymous variant. On other transcripts: intron variant (6).
Genome position (GRCh38, 1-based): chr2:8,730,786, C>T on the plus strand (G>A on the coding strand, the complement: KIDINS220 is on the minus strand). VCF-style: chr2-8730786-C-T. GRCh37 (hg19) VCF-style: chr2-8870916-C-T.
Other names: c.5250G>A (NM_020738.2); c.5253G>A, p.Pro1751= (NM_001348729.2); c.5196G>A, p.Pro1732= (NM_001348731.2); c.5193G>A, p.Pro1731= (NM_001348732.2); c.5082G>A, p.Pro1694= (NM_001348734.2); c.5079G>A, p.Pro1693= (NM_001348735.2); c.4953G>A, p.Pro1651= (NM_001348736.2); c.3882+2658G>A (NM_001348741.2, NM_001348742.2, NM_001348743.2); and 2 more.
Identifiers: ClinVar variation 1576079 (VCV001576079.32), dbSNP rs775392168, ClinGen allele CA1519226.